The following is an entry in ClinVar:

ClinVar aggregate classification (germline): Uncertain significance (1 of 4 stars; one submission).

Submission:

Labcorp Genetics (formerly Invitae), Labcorp
Classification: Uncertain significance. Last evaluated: 2025-04-03. Review status: criteria provided, single submitter. Criteria: Invitae Variant Classification Sherloc (09022015). Collection method: clinical testing. Allele origin: germline.
Comment: This sequence change replaces alanine, which is neutral and non-polar, with glycine, which is neutral and non-polar, at codon 66 of the LZTR1 protein (p.Ala66Gly). This variant is not present in population databases (gnomAD no frequency). This variant has not been reported in the literature in individuals affected with LZTR1-related conditions. Invitae Evidence Modeling of protein sequence and biophysical properties (such as structural, functional, and spatial information, amino acid conservation, physicochemical variation, residue mobility, and thermodynamic stability) indicates that this missense variant is not expected to disrupt LZTR1 protein function with a negative predictive value of 80%. In summary, the available evidence is currently insufficient to determine the role of this variant in disease. Therefore, it has been classified as a Variant of Uncertain Significance.

NM_006767.4(LZTR1):c.197C>G (p.Ala66Gly)

Gene: LZTR1 (leucine zipper like post translational regulator 1; plus strand). Cytogenetic location: 22q11.21.
Variant type: single nucleotide variant.
Coding change: c.197C>G on transcript NM_006767.4 (MANE Select); coding-DNA position 197, C replaced by G.
Protein change: p.Ala66Gly; replaces alanine 66 with glycine.
Molecular consequence: missense variant.
Genome position (GRCh38, 1-based): chr22:20,982,568, C>G. VCF-style: chr22-20982568-C-G. GRCh37 (hg19) VCF-style: chr22-21336857-C-G.
Other names: short protein forms A66G.
Identifiers: ClinVar variation 4740415 (VCV004740415.1).